The following is an entry in ClinVar:

NM_001458.5(FLNC):c.4590G>T (p.Lys1530Asn)

Gene: FLNC (filamin C; plus strand). Cytogenetic location: 7q32.1.
Variant type: single nucleotide variant.
Coding change: c.4590G>T on transcript NM_001458.5 (MANE Select); coding-DNA position 4590, G replaced by T.
Protein change: p.Lys1530Asn; replaces lysine 1530 with asparagine.
Molecular consequence: missense variant.
Genome position (GRCh38, 1-based): chr7:128,848,570, G>T. VCF-style: chr7-128848570-G-T. GRCh37 (hg19) VCF-style: chr7-128488624-G-T.
Other names: c.4590G>T, p.Lys1530Asn (NM_001127487.2); short protein forms K1530N.
Identifiers: ClinVar variation 655001 (VCV000655001.12), dbSNP rs778534100, ClinGen allele CA4475398.

ClinVar aggregate classification (germline): Uncertain significance. Review status: criteria provided, multiple submitters, no conflicts (2 of 4 stars). 5 submissions from 5 submitters: Uncertain significance (5). Last evaluated 2025-08-20.

Conditions:
Myofibrillar myopathy 5. Also called: FILAMINOPATHY, AUTOSOMAL DOMINANT; Filaminopathy (type). Identifiers: Orphanet 171445, MedGen C1836050, MONDO:0012289, OMIM 609524.
Hypertrophic cardiomyopathy 26. Also called: Cardiomyopathy, familial hypertrophic, 26. Identifiers: Orphanet 75249, MedGen C4310749, MONDO:0014883, OMIM 617047.
Distal myopathy with posterior leg and anterior hand involvement. Also called: WILLIAMS DISTAL MYOPATHY. Identifiers: Orphanet 63273, MedGen C3279722, MONDO:0013550, OMIM 614065.
Cardiovascular phenotype. Identifiers: MedGen CN230736.

Allele frequency attached by ClinVar (database versions not stated): gnomAD exomes below 0.00001; TOPMed below 0.00001; ExAC 0.00001; gnomAD 0.00001.

Submissions (5):

Labcorp Genetics (formerly Invitae), Labcorp
Classification: Uncertain significance for Distal myopathy with posterior leg and anterior hand involvement; Myofibrillar myopathy 5; Hypertrophic cardiomyopathy 26. Last evaluated: 2025-08-20. Review status: criteria provided, single submitter. Criteria: Invitae Variant Classification Sherloc (09022015). Collection method: clinical testing. Allele origin: germline.
Comment: This sequence change replaces lysine, which is basic and polar, with asparagine, which is neutral and polar, at codon 1530 of the FLNC protein (p.Lys1530Asn). The frequency data for this variant in the population databases is considered unreliable, as metrics indicate poor data quality at this position in the gnomAD database. This variant has not been reported in the literature in individuals affected with FLNC-related conditions. ClinVar contains an entry for this variant (Variation ID: 655001). Invitae Evidence Modeling of protein sequence and biophysical properties (such as structural, functional, and spatial information, amino acid conservation, physicochemical variation, residue mobility, and thermodynamic stability) has been performed for this missense variant. However, the output from this modeling did not meet the statistical confidence thresholds required to predict the impact of this variant on FLNC protein function. In summary, the available evidence is currently insufficient to determine the role of this variant in disease. Therefore, it has been classified as a Variant of Uncertain Significance.

Blueprint Genetics
Classification: Uncertain significance. Last evaluated: 2024-04-11. Review status: criteria provided, single submitter. Criteria: ACMG Guidelines, 2015. Collection method: clinical testing. Allele origin: germline.

GeneDx
Classification: Uncertain significance. Last evaluated: 2023-11-16. Review status: criteria provided, single submitter. Criteria: GeneDx Variant Classification Process June 2021. Collection method: clinical testing. Allele origin: germline. Affected: yes.
Comment: Has not been previously published as pathogenic or benign to our knowledge; Not observed at significant frequency in large population cohorts (gnomAD); At the mRNA level, in silico analysis supports a deleterious effect on splicing; At the protein level, in silico analysis supports that this missense variant has a deleterious effect on protein structure/function

Ambry Genetics
Classification: Uncertain significance for Cardiovascular phenotype. Last evaluated: 2021-07-27. Review status: criteria provided, single submitter. Criteria: Ambry Variant Classification Scheme 2023. Collection method: clinical testing. Allele origin: germline.
Comment: The p.K1530N variant (also known as c.4590G>T), located in coding exon 27 of the FLNC gene, results from a G to T substitution at nucleotide position 4590. The lysine at codon 1530 is replaced by asparagine, an amino acid with similar properties. This amino acid position is highly conserved in available vertebrate species. In addition, the in silico prediction for this alteration is inconclusive. Since supporting evidence is limited at this time, the clinical significance of this alteration remains unclear.

Revvity Omics, Revvity
Classification: Uncertain significance. Last evaluated: 2019-05-29. Review status: criteria provided, single submitter. Criteria: ACMG Guidelines, 2015. Collection method: clinical testing. Allele origin: germline.